The following is an entry in ClinVar:

NM_012079.6(DGAT1):c.1094+2T>C

Genes: DGAT1 (diacylglycerol O-acyltransferase 1; minus strand), LOC130001383 (ATAC-STARR-seq lymphoblastoid active region 28093; plus strand). Cytogenetic location: 8q24.3.
Variant type: single nucleotide variant.
Coding change: c.1094+2T>C on transcript NM_012079.6 (MANE Select); the canonical splice donor site of the intron after coding-DNA position 1094, T replaced by C.
Molecular consequence: splice donor variant.
Genome position (GRCh38, 1-based): chr8:144,317,331, A>G on the plus strand (T>C on the coding strand, the complement: DGAT1 is on the minus strand). VCF-style: chr8-144317331-A-G. GRCh37 (hg19) VCF-style: chr8-145540994-A-G.
Other names: NC_000008.10:g.145540994A>G.
Identifiers: ClinVar variation 2636390 (VCV002636390.3), dbSNP rs1554847269, ClinGen allele CA372608763.

ClinVar aggregate classification (germline): Pathogenic/Likely pathogenic. Review status: criteria provided, multiple submitters, no conflicts (2 of 4 stars). 2 submissions from 2 submitters: Pathogenic (1); Likely pathogenic (1). Last evaluated 2025-04-30.

Conditions:
DGAT1-related disorder. Also called: DGAT1-related condition.
Congenital diarrhea 7 with exudative enteropathy. Also called: Diarrhea 7. Identifiers: Orphanet 329242, MedGen C4014516, MONDO:0014375, OMIM 615863.

Allele frequency attached by ClinVar (database versions not stated): gnomAD exomes below 0.00001.
gnomAD v4.1: 5 of 1,613,612 alleles (0.00031%); highest among the groups gnomAD compares: South Asian, 0.0033%; no homozygotes.

Submissions (3):

Institute of Human Genetics, Heidelberg University
Classification: Pathogenic for Congenital diarrhea 7 with exudative enteropathy. Last evaluated: 2025-04-30. Review status: criteria provided, single submitter. Criteria: ACMG Guidelines, 2015. Collection method: clinical testing. Allele origin: maternal. Affected: yes. Observed: 2 variant alleles.
Comment: PVS1, PM2_sup, PP4, PM3

PreventionGenetics, part of Exact Sciences
Classification: Likely pathogenic for DGAT1-related condition. Last evaluated: 2022-09-02. Review status: criteria provided, single submitter. Criteria: ACMG Guidelines, 2015. Collection method: clinical testing. Allele origin: germline.
Comment: The DGAT1 c.1094+2T>C variant is predicted to disrupt the GT donor site and interfere with normal splicing. To our knowledge, this variant has not been reported in the literature. This variant is reported in 0.0065% of alleles in individuals of South Asian descent in gnomAD. Variants that disrupt the consensus splice donor site in DGAT1 are expected to be pathogenic. This variant is interpreted as likely pathogenic.

Dr. Peter K. Rogan Lab, Western University
No classification provided (evidence only). Condition: Sarcoma. Review status: no classification provided. Collection method: in vitro. Allele origin: not applicable. Functional consequence: skipped exon, retained intron. Not counted in ClinVar's aggregate classification.